The following is an entry in ClinVar:

NM_004415.4(DSP):c.2548G>A (p.Asp850Asn)

Gene: DSP (desmoplakin; plus strand). Cytogenetic location: 6p24.3.
Variant type: single nucleotide variant.
Coding change: c.2548G>A on transcript NM_004415.4 (MANE Select); coding-DNA position 2548, G replaced by A.
Protein change: p.Asp850Asn; replaces aspartic acid 850 with asparagine.
Molecular consequence: missense variant.
Genome position (GRCh38, 1-based): chr6:7,575,406, G>A. VCF-style: chr6-7575406-G-A. GRCh37 (hg19) VCF-style: chr6-7575639-G-A.
Other names: c.2548G>A (LRG_423t1); c.2548G>A, p.Asp850Asn (NM_001008844.3, NM_001319034.2); short protein forms D850N.
Identifiers: ClinVar variation 432983 (VCV000432983.5), dbSNP rs1554107626, ClinGen allele CA362681582.

ClinVar aggregate classification (germline): Uncertain significance. Review status: criteria provided, multiple submitters, no conflicts (2 of 4 stars). 2 submissions from 2 submitters: Uncertain significance (2). Last evaluated 2024-01-18.

Conditions:
Arrhythmogenic right ventricular dysplasia 8 (ARVD8). Also called: Arrhythmogenic Right Ventricular Dysplasia/Cardiomyopathy 8; ARRHYTHMOGENIC RIGHT VENTRICULAR DYSPLASIA, FAMILIAL, 8; ARRHYTHMOGENIC RIGHT VENTRICULAR CARDIOMYOPATHY 8. Identifiers: MedGen C1843896, MONDO:0011831, OMIM 607450.
Arrhythmogenic cardiomyopathy with wooly hair and keratoderma. Also called: Carvajal syndrome; Arrhythmogenic cardiomyopathy with woolly hair and keratoderma; PALMOPLANTAR KERATODERMA WITH LEFT VENTRICULAR CARDIOMYOPATHY AND WOOLLY HAIR; Dilated cardiomyopathy with woolly hair and keratoderma. Identifiers: Orphanet 65282, MedGen C1854063, MONDO:0011581, OMIM 605676.

Allele frequency attached by ClinVar (database versions not stated): gnomAD exomes below 0.00001; TOPMed below 0.00001.
gnomAD v4.1: 3 of 1,614,008 alleles (0.00019%); highest among the groups gnomAD compares: African/African-American, 0.0027%; no homozygotes.

Submissions (2):

Labcorp Genetics (formerly Invitae), Labcorp
Classification: Uncertain significance for Arrhythmogenic cardiomyopathy with wooly hair and keratoderma; Arrhythmogenic right ventricular dysplasia 8. Last evaluated: 2024-01-18. Review status: criteria provided, single submitter. Criteria: Invitae Variant Classification Sherloc (09022015). Collection method: clinical testing. Allele origin: germline.
Comment: This sequence change replaces aspartic acid, which is acidic and polar, with asparagine, which is neutral and polar, at codon 850 of the DSP protein (p.Asp850Asn). This variant is not present in population databases (gnomAD no frequency). This variant has not been reported in the literature in individuals affected with DSP-related conditions. ClinVar contains an entry for this variant (Variation ID: 432983). An algorithm developed to predict the effect of missense changes on protein structure and function (PolyPhen-2) suggests that this variant is likely to be disruptive. In summary, the available evidence is currently insufficient to determine the role of this variant in disease. Therefore, it has been classified as a Variant of Uncertain Significance.

GeneDx
Classification: Uncertain significance. Last evaluated: 2017-06-28. Review status: criteria provided, single submitter. Criteria: GeneDx Variant Classification (06012015). Collection method: clinical testing. Allele origin: germline. Affected: yes.
Comment: The D850N variant in the DSP gene has not been reported previously as a pathogenic variant, nor as a benign variant, to our knowledge. The D850N variant is not observed in large population cohorts (Lek et al., 2016; 1000 Genomes Consortium et al., 2015; Exome Variant Server). The D850N variant is a semi-conservative amino acid substitution, which may impact secondary protein structure as these residues differ in some properties. This substitution occurs at a position that is conserved across species, and in silico analysis predicts this variant is probably damaging to the protein structure/function. We interpret D850N as a variant of uncertain significance.